The following is an entry in ClinVar:

ClinVar aggregate classification (germline): Uncertain significance. Review status: criteria provided, multiple submitters, no conflicts (2 of 4 stars). 4 submissions from 4 submitters: Uncertain significance (4). Last evaluated 2025-01-05.

Conditions:
Hereditary cancer-predisposing syndrome. Also called: Hereditary neoplastic syndrome; Neoplastic Syndromes, Hereditary; Tumor predisposition; Hereditary Cancer Syndrome. Identifiers: Orphanet 140162, MedGen C0027672, MeSH D009386, MONDO:0015356.
Microcephaly, normal intelligence and immunodeficiency (NBS). Also called: IMMUNODEFICIENCY, MICROCEPHALY, AND CHROMOSOMAL INSTABILITY; SEEMANOVA SYNDROME II; Nijmegen breakage syndrome; Microcephaly with normal intelligence immunodeficiency and lymphoreticular malignancies; Nonsyndromal microcephaly autosomal recessive with normal intelligence; Seemanova syndrome 2. Identifiers: Orphanet 647, MedGen C0398791, MONDO:0009623, OMIM 251260.

Submissions (4):

Ambry Genetics
Classification: Uncertain significance for Hereditary cancer-predisposing syndrome. Last evaluated: 2025-01-05. Review status: criteria provided, single submitter. Criteria: Ambry Variant Classification Scheme 2023. Collection method: clinical testing. Allele origin: germline.
Comment: The p.P203T variant (also known as c.607C>A), located in coding exon 6 of the NBN gene, results from a C to A substitution at nucleotide position 607. The proline at codon 203 is replaced by threonine, an amino acid with highly similar properties. This amino acid position is highly conserved in available vertebrate species. In addition, the in silico prediction for this alteration is inconclusive. Since supporting evidence is limited at this time, the clinical significance of this alteration remains unclear.

ARUP Laboratories, Molecular Genetics and Genomics, ARUP Laboratories
Classification: Uncertain significance. Last evaluated: 2023-02-10. Review status: criteria provided, single submitter. Criteria: ARUP Molecular Germline Variant Investigation Process 2024. Collection method: clinical testing. Allele origin: germline.
Comment: The NBN c.607C>A; p.Pro203Thr variant (rs1554564291), to our knowledge, is not reported in the medical literature but is reported in ClinVar (Variation ID: 481859). This variant is absent from the Genome Aggregation Database, indicating it is not a common polymorphism. Computational analyses are uncertain whether this variant is neutral or deleterious (REVEL: 0.412). Due to limited information, the clinical significance of this variant is uncertain at this time.

Genome-Nilou Lab
Classification: Uncertain significance for Microcephaly, normal intelligence and immunodeficiency. Last evaluated: 2021-11-07. Review status: criteria provided, single submitter. Criteria: ACMG Guidelines, 2015. Collection method: clinical testing. Allele origin: germline. Affected: no.

Labcorp Genetics (formerly Invitae), Labcorp
Classification: Uncertain significance for Microcephaly, normal intelligence and immunodeficiency. Last evaluated: 2019-11-06. Review status: criteria provided, single submitter. Criteria: Invitae Variant Classification Sherloc (09022015). Collection method: clinical testing. Allele origin: germline.
Comment: In summary, the available evidence is currently insufficient to determine the role of this variant in disease. Therefore, it has been classified as a Variant of Uncertain Significance. Algorithms developed to predict the effect of missense changes on protein structure and function are either unavailable or do not agree on the potential impact of this missense change (SIFT: "Deleterious"; PolyPhen-2: "Probably Damaging"; Align-GVGD: "Class C0"). This variant has not been reported in the literature in individuals with NBN-related conditions. ClinVar contains an entry for this variant (Variation ID: 481859). This variant is not present in population databases (ExAC no frequency). This sequence change replaces proline with threonine at codon 203 of the NBN protein (p.Pro203Thr). The proline residue is highly conserved and there is a small physicochemical difference between proline and threonine.

NM_002485.5(NBN):c.607C>A (p.Pro203Thr)

Gene: NBN (nibrin; minus strand). Cytogenetic location: 8q21.3.
Variant type: single nucleotide variant.
Coding change: c.607C>A on transcript NM_002485.5 (MANE Select); coding-DNA position 607, C replaced by A.
Protein change: p.Pro203Thr; replaces proline 203 with threonine.
Molecular consequence: missense variant.
Genome position (GRCh38, 1-based): chr8:89,971,268, G>T on the plus strand (C>A on the coding strand, the complement: NBN is on the minus strand). VCF-style: chr8-89971268-G-T. GRCh37 (hg19) VCF-style: chr8-90983496-G-T.
Other names: c.361C>A, p.Pro121Thr (NM_001024688.3); short protein forms P203T, P121T.
Identifiers: ClinVar variation 481859 (VCV000481859.21), dbSNP rs1554564291, ClinGen allele CA371659298.